The following is an entry in ClinVar:

NM_152393.4(KLHL40):c.35G>C (p.Arg12Pro)

Gene: KLHL40 (kelch like family member 40; plus strand). Cytogenetic location: 3p22.1.
Variant type: single nucleotide variant.
Coding change: c.35G>C on transcript NM_152393.4 (MANE Select); coding-DNA position 35, G replaced by C.
Protein change: p.Arg12Pro; replaces arginine 12 with proline.
Molecular consequence: missense variant.
Genome position (GRCh38, 1-based): chr3:42,685,653, G>C. VCF-style: chr3-42685653-G-C. GRCh37 (hg19) VCF-style: chr3-42727145-G-C.
Other names: c.35G>C (NM_152393.2); short protein forms R12P.
Identifiers: ClinVar variation 1355111 (VCV001355111.5), dbSNP rs748935246, ClinGen allele CA2336549.

ClinVar aggregate classification (germline): Uncertain significance. Review status: criteria provided, multiple submitters, no conflicts (2 of 4 stars). 2 submissions from 2 submitters: Uncertain significance (2). Last evaluated 2025-03-26.

Conditions:
Inborn genetic diseases. Identifiers: MedGen C0950123, MeSH D030342.
Nemaline myopathy 8 (NEM8). Also called: Nemaline myopathy 8, autosomal recessive. Identifiers: Orphanet 171430, MedGen C3809209, MONDO:0014138, OMIM 615348.

Allele frequency attached by ClinVar (database versions not stated): ExAC 0.00014.

Submissions (2):

Ambry Genetics
Classification: Uncertain significance for Inborn genetic diseases. Last evaluated: 2025-03-26. Review status: criteria provided, single submitter. Criteria: Ambry Variant Classification Scheme 2023. Collection method: clinical testing. Allele origin: germline.

Labcorp Genetics (formerly Invitae), Labcorp
Classification: Uncertain significance for Nemaline myopathy 8. Last evaluated: 2025-02-10. Review status: criteria provided, single submitter. Criteria: Invitae Variant Classification Sherloc (09022015). Collection method: clinical testing. Allele origin: germline.
Comment: This sequence change replaces arginine, which is basic and polar, with proline, which is neutral and non-polar, at codon 12 of the KLHL40 protein (p.Arg12Pro). This variant is present in population databases (rs748935246, gnomAD 0.05%), including at least one homozygous and/or hemizygous individual. This variant has not been reported in the literature in individuals affected with KLHL40-related conditions. ClinVar contains an entry for this variant (Variation ID: 1355111). Invitae Evidence Modeling of protein sequence and biophysical properties (such as structural, functional, and spatial information, amino acid conservation, physicochemical variation, residue mobility, and thermodynamic stability) indicates that this missense variant is not expected to disrupt KLHL40 protein function with a negative predictive value of 80%. In summary, the available evidence is currently insufficient to determine the role of this variant in disease. Therefore, it has been classified as a Variant of Uncertain Significance.